The following is an entry in ClinVar:

NM_001365951.3(KIF1B):c.2808T>C (p.Asp936=)

Genes: KIF1B (kinesin family member 1B; plus strand), LOC126805614 (BRD4-independent group 4 enhancer GRCh37_chr1:10385546-10386745; plus strand). Cytogenetic location: 1p36.22.
Variant type: single nucleotide variant.
Coding change: c.2808T>C on transcript NM_001365951.3 (MANE Select); coding-DNA position 2808, T replaced by C.
Protein change: p.Asp936=; no amino-acid change (aspartic acid 936 retained).
Molecular consequence: synonymous variant.
Genome position (GRCh38, 1-based): chr1:10,326,243, T>C. VCF-style: chr1-10326243-T-C. GRCh37 (hg19) VCF-style: chr1-10386301-T-C.
Other names: c.2808T>C, p.Asp936= (NM_001365952.1); c.2670T>C, p.Asp890= (NM_015074.3).
Identifiers: ClinVar variation 3348891 (VCV003348891.8).

ClinVar aggregate classification (germline): Likely benign. Review status: criteria provided, single submitter (1 of 4 stars). 2 submissions from 2 submitters: Likely benign (1). 1 of the submissions does not count toward it. Last evaluated 2025-04-01.

Conditions:
KIF1B-related disorder. Also called: KIF1B-related condition.

Submissions (2):

CeGaT Center for Human Genetics Tuebingen
Classification: Likely benign. Last evaluated: 2025-04-01. Review status: criteria provided, single submitter. Criteria: CeGaT Center For Human Genetics Tuebingen Variant Classification Criteria Version 2. Collection method: clinical testing. Allele origin: germline. Affected: yes. Observed: 1 variant allele.
Comment: KIF1B: BP4, BP7

PreventionGenetics, part of Exact Sciences
Classification: Likely benign for KIF1B-related condition. Last evaluated: 2024-06-21. Review status: no assertion criteria provided. Collection method: clinical testing. Allele origin: germline. Not counted in ClinVar's aggregate classification.
Comment: This variant is classified as likely benign based on ACMG/AMP sequence variant interpretation guidelines (Richards et al. 2015 PMID: 25741868, with internal and published modifications).